The following is an entry in ClinVar:

NM_000138.5(FBN1):c.4748-9T>C

Gene: FBN1 (fibrillin 1; minus strand). Cytogenetic location: 15q21.1.
Variant type: single nucleotide variant.
Coding change: c.4748-9T>C on transcript NM_000138.5 (MANE Select); 9 bases into the intron before coding-DNA position 4748, T replaced by C.
Molecular consequence: intron variant.
Genome position (GRCh38, 1-based): chr15:48,465,867, A>G on the plus strand (T>C on the coding strand, the complement: FBN1 is on the minus strand). VCF-style: chr15-48465867-A-G. GRCh37 (hg19) VCF-style: chr15-48758064-A-G.
Identifiers: ClinVar variation 527228 (VCV000527228.9), dbSNP rs760640909, ClinGen allele CA053686.
Genomic context (GRCh38, chr15:48,465,867, plus strand): 5'-ATAGGATTTGGTCGGAAACCTTCCCCTCCAGGACAAAGAATTTTGTACTCGGCTATTGAA[A>G]CAAAAATTCAAATTGAGTTGTTTTGAATCTAAAGTTTTTAGAAATAGTATCCTCAAGAGA-3'

ClinVar aggregate classification (germline): Conflicting classifications of pathogenicity. Review status: criteria provided, conflicting classifications (1 of 4 stars). 2 submissions from 2 submitters: Uncertain significance (1); Likely benign (1). Last evaluated 2025-10-23.

Conditions:
Familial thoracic aortic aneurysm and aortic dissection (TAAD). Also called: Thoracic aortic aneurysms and dissections. Identifiers: Orphanet 91387, MedGen C4707243, MONDO:0019625.
Marfan syndrome (MFS). Also called: Marfan syndrome type 1; Marfan syndrome, classic; Marfan's syndrome; FBN1-Related Marfan Syndrome; MARFAN SYNDROME, TYPE I. Identifiers: Orphanet 284963, Orphanet 558, MedGen C0024796, MONDO:0007947, OMIM 154700.

Allele frequency attached by ClinVar (database versions not stated): ExAC 0.00001; gnomAD exomes below 0.00001 and 0.00001; TOPMed 0.00001.
gnomAD v4.1: 4 of 1,604,148 alleles (0.00025%); highest among the groups gnomAD compares: Admixed American, 0.0067%; no homozygotes.

Submissions (2):

Labcorp Genetics (formerly Invitae), Labcorp
Classification: Likely benign for Marfan syndrome; Familial thoracic aortic aneurysm and aortic dissection. Last evaluated: 2025-10-23. Review status: criteria provided, single submitter. Criteria: Invitae Variant Classification Sherloc (09022015). Collection method: clinical testing. Allele origin: germline.

All of Us Research Program, National Institutes of Health
Classification: Uncertain significance for Marfan syndrome. Last evaluated: 2023-08-15. Review status: criteria provided, single submitter. Criteria: ACMG Guidelines, 2015. Collection method: clinical testing. Allele origin: germline. Inheritance: Autosomal dominant inheritance. Observed: 2 variant alleles, 2 heterozygotes.
Comment: This variant causes a T to C nucleotide substitution at the -9 position of intron 38 of the FBN1 gene. To our knowledge, functional studies have not been reported for this variant. This variant has not been reported in individuals affected with FBN1-related disorders in the literature. This variant has been identified in 4/281338 chromosomes in the general population by the Genome Aggregation Database (gnomAD). The available evidence is insufficient to determine the role of this variant in disease conclusively. Therefore, this variant is classified as a Variant of Uncertain Significance.

This study involves interpretation of variants in research participants for the purpose of population health screening. Participant phenotype was not available at the time of variant classification. Additional details can be found in publication PMID: 35346344, PMCID: PMC8962531